The following is an entry in ClinVar:

NC_000011.9:g.(?_47459516)_(47459608_?)del

Gene: RAPSN (receptor associated protein of the synapse; minus strand). Cytogenetic location: 11p11.2.
Variant type: Deletion.
Identifiers: ClinVar variation 2425286 (VCV002425286.6).

ClinVar aggregate classification (germline): Pathogenic (1 of 4 stars; one submission).

Conditions:
Congenital myasthenic syndrome 11. Also called: MYASTHENIC SYNDROME, CONGENITAL, Ie; Myasthenic syndrome, congenital, 11, associated with acetylcholine receptor deficiency. Identifiers: Orphanet 590, MedGen C4225367, MONDO:0014588, OMIM 616326.
Fetal akinesia deformation sequence 1 (FADS1). Also called: Pena-Shokeir syndrome type I; Fetal akinesia sequence. Identifiers: Orphanet 994, MedGen C1276035, MONDO:0100101, OMIM 208150, HP:0001989.

Submission:

Labcorp Genetics (formerly Invitae), Labcorp
Classification: Pathogenic for Congenital myasthenic syndrome 11; Fetal akinesia deformation sequence 1. Last evaluated: 2022-06-28. Review status: criteria provided, single submitter. Criteria: Invitae Variant Classification Sherloc (09022015). Collection method: clinical testing. Allele origin: germline.
Comment: For these reasons, this variant has been classified as Pathogenic. This variant disrupts a region of the RAPSN protein in which other variant(s) (p.Thr396Profs*12) have been determined to be pathogenic (PMID: 26782015, 29054425). This suggests that this is a clinically significant region of the protein, and that variants that disrupt it are likely to be disease-causing. This variant has not been reported in the literature in individuals affected with RAPSN-related conditions. This variant is a gross deletion of the genomic region encompassing exon(s) 8 of the RAPSN gene, which includes the termination codon. This deletion extends beyond the assayed region for this gene and therefore may encompass additional genes. While this deletion is not anticipated to lead to nonsense mediated decay, it is expected to alter mRNA translation or result in a truncated protein product.

Literature cited by the submitters: PubMed 26782015; PubMed 29054425.